The following is an entry in ClinVar:

ClinVar aggregate classification (germline): Likely pathogenic (1 of 4 stars; one submission).

gnomAD v4.1: 1 of 1,613,930 alleles (0.000062%); highest among the groups gnomAD compares: Non-Finnish European, 0.000085%; no homozygotes.

Submission:

Labcorp Genetics (formerly Invitae), Labcorp
Classification: Likely pathogenic. Last evaluated: 2024-03-22. Review status: criteria provided, single submitter. Criteria: Invitae Variant Classification Sherloc (09022015). Collection method: clinical testing. Allele origin: germline.
Comment: This sequence change affects a donor splice site in intron 4 of the HPS4 gene. It is expected to disrupt RNA splicing. Variants that disrupt the donor or acceptor splice site typically lead to a loss of protein function (PMID: 16199547), and loss-of-function variants in HPS4 are known to be pathogenic (PMID: 12664304). This variant is not present in population databases (gnomAD no frequency). This variant has not been reported in the literature in individuals affected with HPS4-related conditions. Algorithms developed to predict the effect of sequence changes on RNA splicing suggest that this variant may disrupt the consensus splice site. In summary, the currently available evidence indicates that the variant is pathogenic, but additional data are needed to prove that conclusively. Therefore, this variant has been classified as Likely Pathogenic.

Literature cited by the submitters: PubMed 16199547; PubMed 12664304.

NM_022081.6(HPS4):c.276+2T>C

Gene: HPS4 (HPS4 biogenesis of lysosomal organelles complex 3 subunit 2; minus strand). Cytogenetic location: 22q12.1.
Variant type: single nucleotide variant.
Coding change: c.276+2T>C on transcript NM_022081.6 (MANE Select); the canonical splice donor site of the intron after coding-DNA position 276, T replaced by C.
Molecular consequence: splice donor variant.
Genome position (GRCh38, 1-based): chr22:26,476,991, A>G on the plus strand (T>C on the coding strand, the complement: HPS4 is on the minus strand). VCF-style: chr22-26476991-A-G. GRCh37 (hg19) VCF-style: chr22-26872957-A-G.
Other names: c.276+2T>C (NM_001349905.1, NM_001349904.2, NM_001349902.1 and 7 more transcripts); c.261+2T>C (NM_152841.2).
Identifiers: ClinVar variation 3647303 (VCV003647303.2).